The following is an entry in ClinVar:

NM_004655.4(AXIN2):c.34G>A (p.Asp12Asn)

Gene: AXIN2 (axin 2; minus strand). Cytogenetic location: 17q24.1.
Variant type: single nucleotide variant.
Coding change: c.34G>A on transcript NM_004655.4 (MANE Select); coding-DNA position 34, G replaced by A.
Protein change: p.Asp12Asn; replaces aspartic acid 12 with asparagine.
Molecular consequence: missense variant.
Genome position (GRCh38, 1-based): chr17:65,558,587, C>T on the plus strand (G>A on the coding strand, the complement: AXIN2 is on the minus strand). VCF-style: chr17-65558587-C-T. GRCh37 (hg19) VCF-style: chr17-63554705-C-T.
Other names: c.34G>A, p.Asp12Asn (NM_001363813.1); c.34G>A (LRG_296t1); short protein forms D12N.
Identifiers: ClinVar variation 648693 (VCV000648693.11), dbSNP rs1064793821, ClinGen allele CA400682430.

ClinVar aggregate classification (germline): Uncertain significance. Review status: criteria provided, multiple submitters, no conflicts (2 of 4 stars). 3 submissions from 3 submitters: Uncertain significance (3). Last evaluated 2024-02-28.

Conditions:
Hereditary cancer-predisposing syndrome. Also called: Neoplastic Syndromes, Hereditary; Tumor predisposition; Hereditary Cancer Syndrome; Hereditary neoplastic syndrome. Identifiers: Orphanet 140162, MedGen C0027672, MeSH D009386, MONDO:0015356.
Oligodontia-cancer predisposition syndrome. Also called: TOOTH AGENESIS-COLORECTAL CANCER SYNDROME. Identifiers: Orphanet 300576, MedGen C1837750, MONDO:0012075, OMIM 608615. Disease mechanism: loss of function.

Submissions (3):

Ambry Genetics
Classification: Uncertain significance for Hereditary cancer-predisposing syndrome. Last evaluated: 2024-02-28. Review status: criteria provided, single submitter. Criteria: Ambry Variant Classification Scheme 2023. Collection method: clinical testing. Allele origin: germline.
Comment: The p.D12N variant (also known as c.34G>A), located in coding exon 1 of the AXIN2 gene, results from a G to A substitution at nucleotide position 34. The aspartic acid at codon 12 is replaced by asparagine, an amino acid with highly similar properties. This amino acid position is conserved. In addition, this alteration is predicted to be tolerated by in silico analysis. Based on the available evidence, the clinical significance of this alteration remains unclear.

GeneDx
Classification: Uncertain significance. Last evaluated: 2019-06-18. Review status: criteria provided, single submitter. Criteria: GeneDx Variant Classification Process June 2021. Collection method: clinical testing. Allele origin: germline. Affected: yes.
Comment: Not observed in large population cohorts (Lek et al., 2016); In silico analysis, which includes protein predictors and evolutionary conservation, supports that this variant does not alter protein structure/function; Has not been previously published as pathogenic or benign to our knowledge

Labcorp Genetics (formerly Invitae), Labcorp
Classification: Uncertain significance for Oligodontia-cancer predisposition syndrome. Last evaluated: 2018-11-09. Review status: criteria provided, single submitter. Criteria: Invitae Variant Classification Sherloc (09022015). Collection method: clinical testing. Allele origin: germline.
Comment: In summary, the available evidence is currently insufficient to determine the role of this variant in disease. Therefore, it has been classified as a Variant of Uncertain Significance. Algorithms developed to predict the effect of missense changes on protein structure and function are either unavailable or do not agree on the potential impact of this missense change (SIFT: "Tolerated"; PolyPhen-2: "Probably Damaging"; Align-GVGD: "Class C0"). This variant has not been reported in the literature in individuals with AXIN2-related disease. This variant is not present in population databases (ExAC no frequency). This sequence change replaces aspartic acid with asparagine at codon 12 of the AXIN2 protein (p.Asp12Asn). The aspartic acid residue is moderately conserved and there is a small physicochemical difference between aspartic acid and asparagine.